The following is an entry in ClinVar:

NM_000219.6(KCNE1):c.72T>A (p.Gly24=)

Gene: KCNE1 (potassium voltage-gated channel subfamily E regulatory subunit 1; minus strand). Cytogenetic location: 21q22.12.
Variant type: single nucleotide variant.
Coding change: c.72T>A on transcript NM_000219.6 (MANE Select); coding-DNA position 72, T replaced by A.
Protein change: p.Gly24=; no amino-acid change (glycine 24 retained).
Molecular consequence: synonymous variant.
Genome position (GRCh38, 1-based): chr21:34,449,563, A>T on the plus strand (T>A on the coding strand, the complement: KCNE1 is on the minus strand). VCF-style: chr21-34449563-A-T. GRCh37 (hg19) VCF-style: chr21-35821861-A-T.
Other names: c.72T>A, p.Gly24= (NM_001127668.4, NM_001127669.4, NM_001127670.4 and 4 more transcripts).
Identifiers: ClinVar variation 3373971 (VCV003373971.2).

Conditions:
Long QT syndrome 5 (LQT5). Identifiers: Orphanet 101016, Orphanet 768, MedGen C1867904, MONDO:0013372, OMIM 613695.

Submission:

Roden Lab, Vanderbilt University Medical Center
No classification provided (evidence only). Condition: Long QT syndrome 5. Review status: no classification provided. Collection method: in vitro. Allele origin: not applicable. Functional consequence: Effect on ion channel function.
ClinVar note: "not provided" was previously submitted as the classification for the variant. However, the classification appeared to be based only on an observation of functional data so it was converted to no classification on 2025-07-30.